The following is an entry in ClinVar:

NM_015937.6(PIGT):c.46G>T (p.Gly16Trp)

Gene: PIGT (phosphatidylinositol glycan anchor biosynthesis class T; plus strand). Cytogenetic location: 20q13.12.
Variant type: single nucleotide variant.
Coding change: c.46G>T on transcript NM_015937.6 (MANE Select); coding-DNA position 46, G replaced by T.
Protein change: p.Gly16Trp; replaces glycine 16 with tryptophan.
Molecular consequence: missense variant. On other transcripts: non-coding transcript variant (5).
Genome position (GRCh38, 1-based): chr20:45,416,202, G>T. VCF-style: chr20-45416202-G-T. GRCh37 (hg19) VCF-style: chr20-44044842-G-T.
Other names: c.46G>T, p.Gly16Trp (NM_001184728.3, NM_001184729.3, NM_001184730.3); short protein forms G16W.
Identifiers: ClinVar variation 1951861 (VCV001951861.5), dbSNP rs2515512275, ClinGen allele CA409165715.

ClinVar aggregate classification (germline): Uncertain significance (1 of 4 stars; one submission).

Conditions:
Multiple congenital anomalies-hypotonia-seizures syndrome 3 (MCAHS3). Also called: GLYCOSYLPHOSPHATIDYLINOSITOL BIOSYNTHESIS DEFECT 7. Identifiers: Orphanet 369837, MedGen C3809356, MONDO:0014165, OMIM 615398.

Allele frequency attached by ClinVar (database versions not stated): gnomAD exomes below 0.00001.
gnomAD v4.1: 1 of 1,591,464 alleles (0.000063%); highest among the groups gnomAD compares: African/African-American, 0.0013%; no homozygotes.

Submission:

Labcorp Genetics (formerly Invitae), Labcorp
Classification: Uncertain significance for Multiple congenital anomalies-hypotonia-seizures syndrome 3. Last evaluated: 2024-01-22. Review status: criteria provided, single submitter. Criteria: Invitae Variant Classification Sherloc (09022015). Collection method: clinical testing. Allele origin: germline.
Comment: This sequence change replaces glycine, which is neutral and non-polar, with tryptophan, which is neutral and slightly polar, at codon 16 of the PIGT protein (p.Gly16Trp). This variant is not present in population databases (gnomAD no frequency). This variant has not been reported in the literature in individuals affected with PIGT-related conditions. ClinVar contains an entry for this variant (Variation ID: 1951861). Advanced modeling of protein sequence and biophysical properties (such as structural, functional, and spatial information, amino acid conservation, physicochemical variation, residue mobility, and thermodynamic stability) performed at Invitae indicates that this missense variant is not expected to disrupt PIGT protein function with a negative predictive value of 80%. In summary, the available evidence is currently insufficient to determine the role of this variant in disease. Therefore, it has been classified as a Variant of Uncertain Significance.